The following is an entry in ClinVar:

ClinVar aggregate classification (germline): Pathogenic/Likely pathogenic. Review status: criteria provided, multiple submitters, no conflicts (2 of 4 stars). 3 submissions from 3 submitters: Pathogenic (1); Likely pathogenic (2). Last evaluated 2025-12-23.

Conditions:
Atrial septal defect 5 (ASD5). Identifiers: Orphanet 1478, MedGen C2748552, MONDO:0013011, OMIM 612794.
Dilated cardiomyopathy 1R (CMD1R). Identifiers: Orphanet 154, Orphanet 54260, MedGen C3150681, MONDO:0013261, OMIM 613424.
Hypertrophic cardiomyopathy 11. Also called: ACTC1-Related Familial Hypertrophic Cardiomyopathy. Identifiers: MedGen C2677506, MONDO:0012799, OMIM 612098.
Primary dilated cardiomyopathy (DCM). Also called: Dilated Cardiomyopathy. Identifiers: Orphanet 217604, MedGen C0007193, MeSH D002311, MONDO:0005021, HP:0001644. Inheritance: Various modes of inheritance.

Submissions (3):

Labcorp Genetics (formerly Invitae), Labcorp
Classification: Pathogenic for Dilated cardiomyopathy 1R; Hypertrophic cardiomyopathy 11; Atrial septal defect 5. Last evaluated: 2025-12-23. Review status: criteria provided, single submitter. Criteria: Invitae Variant Classification Sherloc (09022015). Collection method: clinical testing. Allele origin: germline.
Comment: This sequence change replaces isoleucine, which is neutral and non-polar, with threonine, which is neutral and polar, at codon 289 of the ACTC1 protein (p.Ile289Thr). This variant is not present in population databases (gnomAD no frequency). This missense change has been observed in individuals with dilated cardiomyopathy, left ventricular noncompaction (PMID: 25201647, 33500567; internal data). It has also been observed to segregate with disease in related individuals. ClinVar contains an entry for this variant (Variation ID: 177886). Invitae Evidence Modeling of protein sequence and biophysical properties (such as structural, functional, and spatial information, amino acid conservation, physicochemical variation, residue mobility, and thermodynamic stability) indicates that this missense variant is not expected to disrupt ACTC1 protein function with a negative predictive value of 80%. For these reasons, this variant has been classified as Pathogenic.

Laboratory for Molecular Medicine, Mass General Brigham Personalized Medicine
Classification: Likely pathogenic for Primary dilated cardiomyopathy. Last evaluated: 2020-07-10. Review status: criteria provided, single submitter. Criteria: LMM Criteria. Collection method: clinical testing. Allele origin: germline. Inheritance: Autosomal dominant inheritance. Observed: 2 variant alleles.
Comment: The p.Ile289Thr variant in ACTC1 has been identified in 3 individuals with dilated cardiomyopathy (DCM), 2 of whom had additional cardiomyopathy features (1 with restrictive cardiomyopathy (RCM) associated with an atrial septal defects (ASDs) and 1 with left ventricular non-compaction (LVNC; Rodriguez-Serrano 2014 PMID: 25201647, GeneDx pers. comm., LMM data). This variant segregated with DCM in 1 affected relative (LMM data) and with LVNC in 3 affected relatives from another family, 1 of whom had additional clinical features such as ASDs (Rodriguez-Serrano 2014 PMID: 25201647). This variant has also been reported by clinical laboratories in ClinVar (Variation ID 177886) and was absent from large population studies. Computational prediction tools and conservation analysis suggest that the p.Ile289Thr are consistent with pathogenicity. In summary, although additional studies are required to fully establish its clinical significance, the p.Ile289Thr variant is likely pathogenic for autosomal dominant cardiomyopathy, particularly DCM and LVNC. ACMG/AMP criteria applied: PS4_Supporting, PP1_Moderate, PM2, PP3.

GeneDx
Classification: Likely pathogenic. Last evaluated: 2011-09-22. Review status: criteria provided, single submitter. Criteria: GeneDx Variant Classification (06012015). Collection method: clinical testing. Allele origin: germline. Affected: yes.
Comment: This missense change is denoted p.Ile289Thr (aka I289T) at the protein level, and c.866 T>C at the cDNA level. The Ile289Thr variant in the ACTC1 gene has not been reported previously as a disease-causing mutation or as a benign polymorphism, to our knowledge. Ile289Thr results in a non-conservative amino acid substitution of a non-polar Isoleucine with a neutral, polar Threonine at a position that is class conserved throughout evolution. In silico analysis predicts Ile289Thr is disease-causing. A mutation in a nearby codon (Ala297Ser) has been reported in association with cardiomyopathy, supporting the functional importance of this region of the protein. Furthermore, Ile289Thr was not detected in up to 200 control alleles from individuals of Caucasian ancestry tested at GeneDx, indicating it is not a common benign variant in this population. In summary, with the clinical and molecular information available at this time, we cannot unequivocally determine the clinical significance of the Ile289Thr variant in the ACTC1 gene though evidence suggests it may be disease-causing. The variant is found in DCM panel(s).

Literature cited by the submitters: PubMed 25201647 (cited by Labcorp Genetics (formerly Invitae), Labcorp and Laboratory for Molecular Medicine, Mass General Brigham Personalized Medicine); PubMed 33500567 (cited by Labcorp Genetics (formerly Invitae), Labcorp).

NM_005159.5(ACTC1):c.866T>C (p.Ile289Thr)

Genes: GJD2-DT (GJD2 divergent transcript; plus strand), ACTC1 (actin alpha cardiac muscle 1; minus strand). Cytogenetic location: 15q14.
Variant type: single nucleotide variant.
Coding change: c.866T>C on transcript NM_005159.5 (MANE Select); coding-DNA position 866, T replaced by C.
Protein change: p.Ile289Thr; replaces isoleucine 289 with threonine.
Molecular consequence: missense variant.
Genome position (GRCh38, 1-based): chr15:34,791,238, A>G on the plus strand (T>C on the coding strand, the complement: ACTC1 is on the minus strand). VCF-style: chr15-34791238-A-G. GRCh37 (hg19) VCF-style: chr15-35083439-A-G.
Other names: p.I289T:ATT>ACT; short protein forms I289T.
Identifiers: ClinVar variation 177886 (VCV000177886.7), dbSNP rs727504379, ClinGen allele CA019967.